The following is an entry in ClinVar:

NM_000179.3(MSH6):c.1796G>C (p.Gly599Ala)

Gene: MSH6 (mutS homolog 6; plus strand). Cytogenetic location: 2p16.3.
Variant type: single nucleotide variant.
Coding change: c.1796G>C on transcript NM_000179.3 (MANE Select); coding-DNA position 1796, G replaced by C.
Protein change: p.Gly599Ala; replaces glycine 599 with alanine.
Molecular consequence: missense variant.
Genome position (GRCh38, 1-based): chr2:47,799,779, G>C. VCF-style: chr2-47799779-G-C. GRCh37 (hg19) VCF-style: chr2-48026918-G-C.
Other names: c.1406G>C, p.Gly469Ala (NM_001281492.2); c.890G>C, p.Gly297Ala (NM_001281493.2, NM_001281494.2); short protein forms G599A, G297A, G469A.
Identifiers: ClinVar variation 568709 (VCV000568709.12), dbSNP rs1558663014, ClinGen allele CA346749323.

ClinVar aggregate classification (germline): Uncertain significance. Review status: criteria provided, multiple submitters, no conflicts (2 of 4 stars). 2 submissions from 2 submitters: Uncertain significance (2). Last evaluated 2025-10-10.

Conditions:
Hereditary nonpolyposis colorectal neoplasms. Identifiers: MedGen C0009405, MeSH D003123.
Hereditary cancer-predisposing syndrome. Also called: Neoplastic Syndromes, Hereditary; Tumor predisposition; Hereditary neoplastic syndrome; Hereditary Cancer Syndrome. Identifiers: Orphanet 140162, MedGen C0027672, MeSH D009386, MONDO:0015356.

Submissions (2):

Ambry Genetics
Classification: Uncertain significance for Hereditary cancer-predisposing syndrome. Last evaluated: 2025-10-10. Review status: criteria provided, single submitter. Criteria: Ambry Variant Classification Scheme 2023. Collection method: clinical testing. Allele origin: germline.
Comment: The p.G599A variant (also known as c.1796G>C), located in coding exon 4 of the MSH6 gene, results from a G to C substitution at nucleotide position 1796. The glycine at codon 599 is replaced by alanine, an amino acid with similar properties. This amino acid position is conserved. In addition, this alteration is predicted to be deleterious by in silico analysis. Since supporting evidence is limited at this time, the clinical significance of this alteration remains unclear.

Labcorp Genetics (formerly Invitae), Labcorp
Classification: Uncertain significance for Hereditary nonpolyposis colorectal neoplasms. Last evaluated: 2023-09-09. Review status: criteria provided, single submitter. Criteria: Invitae Variant Classification Sherloc (09022015). Collection method: clinical testing. Allele origin: germline.
Comment: This variant has not been reported in the literature in individuals affected with MSH6-related conditions. In summary, the available evidence is currently insufficient to determine the role of this variant in disease. Therefore, it has been classified as a Variant of Uncertain Significance. Advanced modeling of protein sequence and biophysical properties (such as structural, functional, and spatial information, amino acid conservation, physicochemical variation, residue mobility, and thermodynamic stability) performed at Invitae indicates that this missense variant is not expected to disrupt MSH6 protein function. ClinVar contains an entry for this variant (Variation ID: 568709). This variant is not present in population databases (gnomAD no frequency). This sequence change replaces glycine, which is neutral and non-polar, with alanine, which is neutral and non-polar, at codon 599 of the MSH6 protein (p.Gly599Ala).